The following is an entry in ClinVar:

NM_006031.6(PCNT):c.4468_4479dup (p.Glu1493_Glu1494insHisGluArgGlu)

Gene: PCNT (pericentrin; plus strand). Cytogenetic location: 21q22.3.
Variant type: Duplication.
Coding change: c.4468_4479dup on transcript NM_006031.6 (MANE Select); coding-DNA positions 4468 to 4479, 12 bases duplicated (CACGAGCGCGAG).
Protein change: p.Glu1493_Glu1494insHisGluArgGlu.
Molecular consequence: inframe insertion.
Genome position (GRCh38, 1-based): chr21:46,398,035-46,398,046, CACGAGCGCGAG duplicated; duplicating any 12 consecutive bases within chr21:46,398,032-46,398,046 gives the same sequence; the c. name uses the placement nearest the transcript's 3' end. VCF-style (leftmost placement, unchanged base first): chr21-46398031-G-GGAGCACGAGCGC. GRCh37 (hg19) VCF-style: chr21-47817945-G-GGAGCACGAGCGC.
Other names: c.4114_4125dup, p.Glu1375_Glu1376insHisGluArgGlu (NM_001315529.2).
Identifiers: ClinVar variation 3355938 (VCV003355938.1).

ClinVar aggregate classification (germline): Uncertain significance (0 of 4 stars; one submission).

Conditions:
PCNT-related disorder. Also called: PCNT-related condition.

Submission:

PreventionGenetics, part of Exact Sciences
Classification: Uncertain significance for PCNT-related condition. Last evaluated: 2024-05-15. Review status: no assertion criteria provided. Collection method: clinical testing. Allele origin: germline.
Comment: The PCNT c.4468_4479dup12 variant is predicted to result in an in-frame duplication (p.His1490_Glu1493dup). To our knowledge, this variant has not been reported in the literature. This variant is reported in 0.0011% of alleles in individuals of European (Non-Finnish) descent in gnomAD. At this time, the clinical significance of this variant is uncertain due to the absence of conclusive functional and genetic evidence.